The following is an entry in ClinVar:

ClinVar aggregate classification (germline): Likely pathogenic (1 of 4 stars; one submission).

Conditions:
Usher syndrome. Also called: Usher Syndromes; Usher's syndrome. Identifiers: Orphanet 886, MedGen CN469326, MeSH D052245, MONDO:0019501. Disease mechanism: loss of function.

Submission:

Women's Health and Genetics/Laboratory Corporation of America, LabCorp
Classification: Likely pathogenic for Retinitis pigmentosa-deafness syndrome. Last evaluated: 2023-03-20. Review status: criteria provided, single submitter. Criteria: LabCorp Variant Classification Summary - May 2015. Collection method: clinical testing. Allele origin: germline.
Comment: Variant summary: USH2A c.703dupA (p.Thr235AsnfsX88) results in a premature termination codon, predicted to cause a truncation of the encoded protein or absence of the protein due to nonsense mediated decay, which are commonly known mechanisms for disease. Truncations downstream of this position have been classified as pathogenic by our laboratory. The variant was absent in 250960 control chromosomes (gnomAD). To our knowledge, no occurrence of c.703dupA in individuals affected with Usher Syndrome and no experimental evidence demonstrating its impact on protein function have been reported. No clinical diagnostic laboratories have submitted clinical-significance assessments for this variant to ClinVar after 2014. Based on the evidence outlined above, the variant was classified as likely pathogenic.

NM_206933.4(USH2A):c.703dup (p.Thr235fs)

Gene: USH2A (usherin; minus strand). Cytogenetic location: 1q41.
Variant type: Duplication.
Coding change: c.703dup on transcript NM_206933.4 (MANE Select); coding-DNA position 703, one base duplicated (A; older notation c.703dupA).
Protein change: p.Thr235fs; shifts the reading frame from threonine 235.
Molecular consequence: frameshift variant.
Genome position (GRCh38, 1-based): chr1:216,365,034, T duplicated on the plus strand (A on the coding strand, the reverse complement: USH2A is on the minus strand). VCF-style (leftmost placement, unchanged base first): chr1-216365033-G-GT. GRCh37 (hg19) VCF-style: chr1-216538375-G-GT.
Other names: c.703dup, p.Thr235fs (NM_007123.6); short protein forms T235fs.
Identifiers: ClinVar variation 2501022 (VCV002501022.1), dbSNP rs2527531515, ClinGen allele CA2580611549.